The following is an entry in ClinVar:

ClinVar aggregate classification (germline): Uncertain significance (1 of 4 stars; one submission).

Conditions:
Glycogen storage disease IXd (GSD9D). Also called: Muscle Phosphorylase Kinase Deficiency; GSD IXd. Identifiers: Orphanet 715, MedGen C1845151, MONDO:0010362, OMIM 300559.

gnomAD v4.1: 1 of 1,211,674 alleles (0.000083%); highest among the groups gnomAD compares: Non-Finnish European, 0.00011%; no homozygotes.

Submission:

Labcorp Genetics (formerly Invitae), Labcorp
Classification: Uncertain significance for Glycogen storage disease IXd. Last evaluated: 2024-10-09. Review status: criteria provided, single submitter. Criteria: Invitae Variant Classification Sherloc (09022015). Collection method: clinical testing. Allele origin: germline.
Comment: This sequence change replaces leucine, which is neutral and non-polar, with isoleucine, which is neutral and non-polar, at codon 571 of the PHKA1 protein (p.Leu571Ile). This variant is not present in population databases (gnomAD no frequency). This variant has not been reported in the literature in individuals affected with PHKA1-related conditions. Invitae Evidence Modeling of protein sequence and biophysical properties (such as structural, functional, and spatial information, amino acid conservation, physicochemical variation, residue mobility, and thermodynamic stability) indicates that this missense variant is not expected to disrupt PHKA1 protein function with a negative predictive value of 80%. In summary, the available evidence is currently insufficient to determine the role of this variant in disease. Therefore, it has been classified as a Variant of Uncertain Significance.

NM_002637.4(PHKA1):c.1711C>A (p.Leu571Ile)

Gene: PHKA1 (phosphorylase kinase regulatory subunit alpha 1; minus strand). Cytogenetic location: Xq13.1.
Variant type: single nucleotide variant.
Coding change: c.1711C>A on transcript NM_002637.4 (MANE Select); coding-DNA position 1711, C replaced by A.
Protein change: p.Leu571Ile; replaces leucine 571 with isoleucine.
Molecular consequence: missense variant.
Genome position (GRCh38, 1-based): chrX:72,635,158, G>T on the plus strand (C>A on the coding strand, the complement: PHKA1 is on the minus strand). VCF-style: chrX-72635158-G-T. GRCh37 (hg19) VCF-style: chrX-71855008-G-T.
Other names: c.1711C>A, p.Leu571Ile (NM_001122670.2, NM_001172436.2, NM_001431068.1); short protein forms L571I.
Identifiers: ClinVar variation 3604577 (VCV003604577.2).